The following is an entry in ClinVar:

NM_015459.5(ATL3):c.1345A>G (p.Thr449Ala)

Genes: LNCROPM (lncRNA regulator of PLAAT3 mediated phospholipid metabolism; plus strand), ATL3 (atlastin GTPase 3; minus strand). Cytogenetic location: 11q13.1.
Variant type: single nucleotide variant.
Coding change: c.1345A>G on transcript NM_015459.5 (MANE Select); coding-DNA position 1345, A replaced by G.
Protein change: p.Thr449Ala; replaces threonine 449 with alanine.
Molecular consequence: missense variant.
Genome position (GRCh38, 1-based): chr11:63,631,234, T>C on the plus strand (A>G on the coding strand, the complement: ATL3 is on the minus strand). VCF-style: chr11-63631234-T-C. GRCh37 (hg19) VCF-style: chr11-63398706-T-C.
Other names: c.1291A>G, p.Thr431Ala (NM_001290048.2); short protein forms T431A, T449A.
Identifiers: ClinVar variation 1770451 (VCV001770451.2), dbSNP rs2495621111, ClinGen allele CA381025139.

ClinVar aggregate classification (germline): Uncertain significance (1 of 4 stars; one submission).

Conditions:
Inborn genetic diseases. Identifiers: MedGen C0950123, MeSH D030342.

Submission:

Ambry Genetics
Classification: Uncertain significance for Inborn genetic diseases. Last evaluated: 2020-10-27. Review status: criteria provided, single submitter. Criteria: Ambry Variant Classification Scheme 2023. Collection method: clinical testing. Allele origin: germline.
Comment: The p.T449A variant (also known as c.1345A>G), located in coding exon 12 of the ATL3 gene, results from an A to G substitution at nucleotide position 1345. The threonine at codon 449 is replaced by alanine, an amino acid with similar properties. This amino acid position is not well conserved in available vertebrate species. In addition, this alteration is predicted to be tolerated by in silico analysis. Since supporting evidence is limited at this time, the clinical significance of this alteration remains unclear.